The following is an entry in ClinVar:

NM_005908.4(MANBA):c.375A>G (p.Arg125=)

Gene: MANBA (mannosidase beta; minus strand). Cytogenetic location: 4q24.
Variant type: single nucleotide variant.
Coding change: c.375A>G on transcript NM_005908.4 (MANE Select); coding-DNA position 375, A replaced by G.
Protein change: p.Arg125=; no amino-acid change (arginine 125 retained).
Molecular consequence: synonymous variant.
Genome position (GRCh38, 1-based): chr4:102,723,865, T>C on the plus strand (A>G on the coding strand, the complement: MANBA is on the minus strand). VCF-style: chr4-102723865-T-C. GRCh37 (hg19) VCF-style: chr4-103645022-T-C.
Other names: 375A-G.
Identifiers: ClinVar variation 1680 (VCV000001680.6), dbSNP rs771587242, ClinGen allele CA3027256.

ClinVar aggregate classification (germline): Pathogenic. Review status: criteria provided, multiple submitters, no conflicts (2 of 4 stars). 3 submissions from 3 submitters: Pathogenic (2). 1 of the submissions does not count toward it. Last evaluated 2024-09-10.

Conditions:
Beta-D-mannosidosis (MANSB). Also called: Beta-Mannosidosis; MANNOSIDOSIS, BETA A, LYSOSOMAL; BETA-MANNOSIDASE DEFICIENCY; LYSOSOMAL BETA-MANNOSIDASE DEFICIENCY. Identifiers: Orphanet 118, MedGen C4048196, MONDO:0009562, OMIM 248510.

Allele frequency attached by ClinVar (database versions not stated): gnomAD exomes 0.00001 and 0.00002; TOPMed 0.00001; ExAC 0.00003; gnomAD 0.00001.
gnomAD v4.1: 19 of 1,554,946 alleles (0.0012%); highest among the groups gnomAD compares: Non-Finnish European, 0.0014%; no homozygotes.

Submissions (3):

Genetics Laboratory, UDIAT-Centre Diagnòstic, Hospital Universitari Parc Tauli
Classification: Pathogenic for beta-mannosidosis. Last evaluated: 2024-09-10. Review status: criteria provided, single submitter. Criteria: ACMG Guidelines, 2015. Collection method: clinical testing. Allele origin: unknown. Inheritance: Autosomal recessive inheritance. Affected: yes.
Comment: PVS1_very strong;PM1_supporting;PM2_moderate

Labcorp Genetics (formerly Invitae), Labcorp
Classification: Pathogenic for Beta-D-mannosidosis. Last evaluated: 2024-01-30. Review status: criteria provided, single submitter. Criteria: Invitae Variant Classification Sherloc (09022015). Collection method: clinical testing. Allele origin: germline.
Comment: This sequence change affects codon 125 of the MANBA mRNA. It is a 'silent' change, meaning that it does not change the encoded amino acid sequence of the MANBA protein. This variant is present in population databases (rs771587242, gnomAD 0.005%). This variant has been observed in individual(s) with mannosidosis (PMID: 18565776). In at least one individual the data is consistent with being in trans (on the opposite chromosome) from a pathogenic variant. ClinVar contains an entry for this variant (Variation ID: 1680). Studies have shown that this variant is associated with inconclusive levels of altered splicing (PMID: 18565776). For these reasons, this variant has been classified as Pathogenic.

OMIM
Classification: Pathogenic for BETA-MANNOSIDOSIS. Last evaluated: 2008-08-01. Review status: no assertion criteria provided. Collection method: literature only. Allele origin: germline. Not counted in ClinVar's aggregate classification.

Literature cited by the submitters: PubMed 18565776 (cited by Labcorp Genetics (formerly Invitae), Labcorp and OMIM).